The following is an entry in ClinVar:

NM_004415.4(DSP):c.8431A>G (p.Lys2811Glu)

Gene: DSP (desmoplakin; plus strand). Cytogenetic location: 6p24.3.
Variant type: single nucleotide variant.
Coding change: c.8431A>G on transcript NM_004415.4 (MANE Select); coding-DNA position 8431, A replaced by G.
Protein change: p.Lys2811Glu; replaces lysine 2811 with glutamic acid.
Molecular consequence: missense variant.
Genome position (GRCh38, 1-based): chr6:7,585,693, A>G. VCF-style: chr6-7585693-A-G. GRCh37 (hg19) VCF-style: chr6-7585926-A-G.
Other names: c.6634A>G, p.Lys2212Glu (NM_001008844.3); c.7102A>G, p.Lys2368Glu (NM_001319034.2); short protein forms K2212E, K2368E, K2811E.
Identifiers: ClinVar variation 3386737 (VCV003386737.1).

ClinVar aggregate classification (germline): Uncertain significance (1 of 4 stars; one submission).

Conditions:
Arrhythmogenic cardiomyopathy with wooly hair and keratoderma. Also called: Carvajal syndrome; PALMOPLANTAR KERATODERMA WITH LEFT VENTRICULAR CARDIOMYOPATHY AND WOOLLY HAIR; Dilated cardiomyopathy with woolly hair and keratoderma; Arrhythmogenic cardiomyopathy with woolly hair and keratoderma. Identifiers: Orphanet 65282, MedGen C1854063, MONDO:0011581, OMIM 605676.

gnomAD v4.1: 6 of 1,614,182 alleles (0.00037%); highest among the groups gnomAD compares: Non-Finnish European, 0.00042%; no homozygotes.

Submission:

All of Us Research Program, National Institutes of Health
Classification: Uncertain significance for Arrhythmogenic cardiomyopathy with wooly hair and keratoderma. Last evaluated: 2024-09-23. Review status: criteria provided, single submitter. Criteria: ACMG Guidelines, 2015. Collection method: clinical testing. Allele origin: germline. Inheritance: Autosomal dominant inheritance. Observed: 1 variant allele, 1 heterozygote.
Comment: This study involves interpretation of variants in research participants for the purpose of population health screening. Participant phenotype was not available at the time of variant classification. Additional details can be found in publication PMID: 35346344, PMCID: PMC8962531